The following is an entry in ClinVar:

NM_004991.4(MECOM):c.2257C>T (p.Pro753Ser)

Gene: MECOM (MDS1 and EVI1 complex locus; minus strand). Cytogenetic location: 3q26.2.
Variant type: single nucleotide variant.
Coding change: c.2257C>T on transcript NM_004991.4 (MANE Select); coding-DNA position 2257, C replaced by T.
Protein change: p.Pro753Ser; replaces proline 753 with serine.
Molecular consequence: missense variant.
Genome position (GRCh38, 1-based): chr3:169,115,615, G>A on the plus strand (C>T on the coding strand, the complement: MECOM is on the minus strand). VCF-style: chr3-169115615-G-A. GRCh37 (hg19) VCF-style: chr3-168833403-G-A.
Other names: c.1888C>T, p.Pro630Ser (NM_001105077.4); c.1693C>T, p.Pro565Ser (NM_001105078.4, NM_001164000.2, NM_001205194.2 and 4 more transcripts); c.1696C>T, p.Pro566Ser (NM_001163999.2, NM_001366467.2, NM_001366468.2 and 1 more transcripts); c.2257C>T, p.Pro753Ser (NM_001366466.2); c.1285C>T, p.Pro429Ser (NM_001366473.2); c.721C>T, p.Pro241Ser (NM_001366474.2); short protein forms P241S, P566S, P429S, P565S, P630S, P753S.
Identifiers: ClinVar variation 3394356 (VCV003394356.1).

ClinVar aggregate classification (germline): Uncertain significance (1 of 4 stars; one submission).

Conditions:
Inborn genetic diseases. Identifiers: MedGen C0950123, MeSH D030342.

gnomAD v4.1: 3 of 1,614,100 alleles (0.00019%); highest among the groups gnomAD compares: Non-Finnish European, 0.00025%; no homozygotes.

Submission:

Ambry Genetics
Classification: Uncertain significance for Inborn genetic diseases. Last evaluated: 2024-12-01. Review status: criteria provided, single submitter. Criteria: Ambry Variant Classification Scheme 2023. Collection method: clinical testing. Allele origin: germline.
Comment: The p.P753S variant (also known as c.2257C>T), located in coding exon 8 of the MECOM gene, results from a C to T substitution at nucleotide position 2257. The proline at codon 753 is replaced by serine, an amino acid with similar properties. This amino acid position is conserved. In addition, this alteration is predicted to be tolerated by in silico analysis. Based on the available evidence, the clinical significance of this variant remains unclear.